The following is an entry in ClinVar:

NM_000069.3(CACNA1S):c.2691G>T (p.Arg897Ser)

Gene: CACNA1S (calcium voltage-gated channel subunit alpha1 S; minus strand). Cytogenetic location: 1q32.1.
Variant type: single nucleotide variant.
Coding change: c.2691G>T on transcript NM_000069.3 (MANE Select); coding-DNA position 2691, G replaced by T.
Protein change: p.Arg897Ser; replaces arginine 897 with serine.
Molecular consequence: missense variant.
Genome position (GRCh38, 1-based): chr1:201,066,283, C>A on the plus strand (G>T on the coding strand, the complement: CACNA1S is on the minus strand). VCF-style: chr1-201066283-C-A. GRCh37 (hg19) VCF-style: chr1-201035411-C-A.
Other names: short protein forms R897S.
Identifiers: ClinVar variation 17630 (VCV000017630.17), dbSNP rs80338779, ClinGen allele CA004032.

ClinVar aggregate classification (germline): Conflicting classifications of pathogenicity. Review status: criteria provided, conflicting classifications (1 of 4 stars). 5 submissions from 5 submitters: Pathogenic (2); Uncertain significance (1). 2 of the submissions do not count toward it. Last evaluated 2026-04-20.

Conditions:
Hypokalemic periodic paralysis, type 1. Also called: HypoPP; Hypokalemic Periodic Paralysis Type 1 (AD). Identifiers: Orphanet 681, MedGen C3714580, MONDO:0042979, OMIM 170400.
Malignant hyperthermia, susceptibility to, 5 (MHS5). Also called: CACNA1S-Related Malignant Hyperthermia Susceptibility. Identifiers: Orphanet 423, MedGen C1866077, MONDO:0011163, OMIM 601887.

Submissions (5):

GeneDx
Classification: Pathogenic. Last evaluated: 2026-04-20. Review status: criteria provided, single submitter. Criteria: GeneDx Variant Classification Process June 2021. Collection method: clinical testing. Allele origin: germline.
Comment: In silico analysis supports that this missense variant has a deleterious effect on protein structure/function; Not observed at significant frequency in large population cohorts (gnomAD); This variant is associated with the following publications: (PMID: 18835861, 22901280, 21845430, 19118277, 36507920, 21664226, 19825159)

Labcorp Genetics (formerly Invitae), Labcorp
Classification: Pathogenic for Hypokalemic periodic paralysis, type 1; Malignant hyperthermia, susceptibility to, 5. Last evaluated: 2025-12-31. Review status: criteria provided, single submitter. Criteria: Invitae Variant Classification Sherloc (09022015). Collection method: clinical testing. Allele origin: germline.
Comment: This sequence change replaces arginine, which is basic and polar, with serine, which is neutral and polar, at codon 897 of the CACNA1S protein (p.Arg897Ser). This variant is not present in population databases (gnomAD no frequency). This missense change has been observed in individual(s) with hypokalemic periodic paralysis (PMID: 18835861, 22901280). In at least one individual the variant was observed to be de novo. ClinVar contains an entry for this variant (Variation ID: 17630). Invitae Evidence Modeling of protein sequence and biophysical properties (such as structural, functional, and spatial information, amino acid conservation, physicochemical variation, residue mobility, and thermodynamic stability) indicates that this missense variant is not expected to disrupt CACNA1S protein function with a negative predictive value of 95%. For these reasons, this variant has been classified as Pathogenic.

Laboratory for Molecular Medicine, Mass General Brigham Personalized Medicine
Classification: Uncertain significance. Last evaluated: 2016-03-28. Review status: criteria provided, single submitter. Criteria: LMM Criteria. Collection method: clinical testing. Allele origin: germline.
Comment: Variant identified in a genome or exome case(s) and assessed due to predicted null impact of the variant or pathogenic assertions in the literature or databases. Disclaimer: This variant has not undergone full assessment. The following are preliminary notes: Questionable quality, ACMG has recommended that only known pathogenic variants for MH be reported as incidental findings; Absent from ExAC with good coverage

OMIM
Classification: Pathogenic for HYPOKALEMIC PERIODIC PARALYSIS, TYPE 1. Last evaluated: 2008-10-01. Review status: no assertion criteria provided. Collection method: literature only. Allele origin: germline. Not counted in ClinVar's aggregate classification.

GeneReviews
No classification provided. Condition: Hypokalemic periodic paralysis, type 1. Review status: no classification provided. Collection method: literature only. Allele origin: germline. Not counted in ClinVar's aggregate classification.

Literature cited by the submitters: PubMed 18835861 (cited by Labcorp Genetics (formerly Invitae), Labcorp and OMIM); PubMed 22901280 (cited by Labcorp Genetics (formerly Invitae), Labcorp).